The following is an entry in ClinVar:

ClinVar aggregate classification (germline): Pathogenic/Likely pathogenic. Review status: criteria provided, multiple submitters, no conflicts (2 of 4 stars). 3 submissions from 3 submitters: Pathogenic (2); Likely pathogenic (1). Last evaluated 2026-03-01.

Conditions:
Leber congenital amaurosis (LCA). Also called: Leber's amaurosis. Identifiers: Orphanet 65, MedGen C0339527, MeSH D057130, MONDO:0018998.
Achromatopsia 2 (ACHM2). Also called: ROD MONOCHROMACY 2; ROD MONOCHROMATISM 2; COLORBLINDNESS, TOTAL. Identifiers: Orphanet 49382, MedGen C1857618, MONDO:0009003, OMIM 216900.

Allele frequency attached by ClinVar (database versions not stated): gnomAD exomes below 0.00001; TOPMed below 0.00001; ExAC 0.00001.

Submissions (3):

Medical Molecular Genetics Department, National Research Center
Classification: Pathogenic for Leber congenital amaurosis. Last evaluated: 2026-03-01. Review status: criteria provided, single submitter. Criteria: ACMG Guidelines, 2015. Collection method: research. Allele origin: germline. Affected: yes. Observed: 2 variant alleles.
Comment: CNGA3 c.778dup (p.Asp260GlyfsTer27): Frameshift (null variant). Absent from gnomAD. Homozygous in two LCA siblings. Loss-of-function consistent with channelopathy mechanism. Classified Pathogenic (PVS1,PM2,PM3)

3billion
Classification: Likely pathogenic for Achromatopsia 2. Last evaluated: 2022-09-01. Review status: criteria provided, single submitter. Criteria: ACMG Guidelines, 2015. Collection method: clinical testing. Allele origin: germline. Affected: yes. Observed: 1 homozygote.
Comment: The variant is observed at an extremely low frequency in the gnomAD v2.1.1 dataset (total allele frequency: <0.001%). It is predicted to result in a loss or disruption of normal protein function through protein truncation. Multiple pathogenic variants are reported in the predicted truncated region. The variant has been reported to be associated with CNGA3-related disorder (ClinVar ID: VCV000987366). Therefore, this variant is classified as Likely pathogenic according to the recommendation of ACMG/AMP guideline.

Institute of Medical Genetics and Applied Genomics, University Hospital Tübingen
Classification: Pathogenic. Last evaluated: 2020-10-23. Review status: criteria provided, single submitter. Criteria: ACMG Guidelines, 2015. Collection method: clinical testing. Allele origin: germline. Inheritance: Autosomal recessive inheritance. Affected: yes.

NM_001298.3(CNGA3):c.778dup (p.Asp260fs)

Gene: CNGA3 (cyclic nucleotide gated channel subunit alpha 3; plus strand). Cytogenetic location: 2q11.2.
Variant type: Duplication.
Coding change: c.778dup on transcript NM_001298.3 (MANE Select); coding-DNA position 778, one base duplicated (G; older notation c.778dupG).
Protein change: p.Asp260fs; shifts the reading frame from aspartic acid 260.
Molecular consequence: frameshift variant.
Genome position (GRCh38, 1-based): chr2:98,395,948, G duplicated. VCF-style (leftmost placement, unchanged base first): chr2-98395947-C-CG. GRCh37 (hg19) VCF-style: chr2-99012410-C-CG.
Other names: p.Asp260GlyfsTer27; c.724dup, p.Asp242fs (NM_001079878.2); short protein forms D242fs, D260fs.
Identifiers: ClinVar variation 987366 (VCV000987366.4), dbSNP rs756172609, ClinGen allele CA1793890.